The following is an entry in ClinVar:

ClinVar aggregate classification (germline): Benign (3 of 4 stars; one submission).

Conditions:
Breast-ovarian cancer, familial, susceptibility to, 2 (BROVCA2). Also called: BRCA2 Hereditary Breast and Ovarian Cancer. Identifiers: Orphanet 145, MedGen C2675520, MONDO:0012933, OMIM 612555. Disease mechanism: loss of function.

Submission:

Evidence-based Network for the Interpretation of Germline Mutant Alleles (ENIGMA)
Classification: Benign for Breast-ovarian cancer, familial, susceptibility to, 2. Last evaluated: 2016-09-28. Review status: reviewed by expert panel. Criteria: ENIGMA BRCA1/2 Classification Criteria (2015). Collection method: curation. Allele origin: germline.
Comment: Class 1 not pathogenic based on frequency >1% in an outbred sampleset. Frequency 0.1968 (European), 0.2322 (African), 0.2205 (Admixed American/Latino), 0.0843 (East Asian), 0.1493 (South Asian), derived from 1000 genomes (2013-05-02).

NM_000059.4(BRCA2):c.6842-839del

Gene: BRCA2 (BRCA2 DNA repair associated; plus strand). Cytogenetic location: 13q13.1.
Variant type: Deletion.
Coding change: c.6842-839del on transcript NM_000059.4 (MANE Select); 839 bases into the intron before coding-DNA position 6842, one base deleted (A; older notation c.6842-839delA).
Molecular consequence: intron variant.
Genome position (GRCh38, 1-based): chr13:32,343,719, A deleted; the last of 10 consecutive A bases (chr13:32,343,710-32,343,719); deleting any one gives the same sequence. VCF-style (leftmost placement, unchanged base first): chr13-32343709-GA-G. GRCh37 (hg19) VCF-style: chr13-32917846-GA-G.
Identifiers: ClinVar variation 264977 (VCV000264977.1), dbSNP rs139939339, ClinGen allele CA10588101.